The following is an entry in ClinVar:

NM_001122681.2(SH3BP2):c.43A>G (p.Ile15Val)

Gene: SH3BP2 (SH3 domain binding protein 2; plus strand). Cytogenetic location: 4p16.3.
Variant type: single nucleotide variant.
Coding change: c.43A>G on transcript NM_001122681.2 (MANE Select); coding-DNA position 43, A replaced by G.
Protein change: p.Ile15Val; replaces isoleucine 15 with valine.
Molecular consequence: missense variant.
Genome position (GRCh38, 1-based): chr4:2,820,660, A>G. VCF-style: chr4-2820660-A-G. GRCh37 (hg19) VCF-style: chr4-2822387-A-G.
Other names: c.127A>G, p.Ile43Val (NM_001145855.2); c.214A>G, p.Ile72Val (NM_001145856.2); c.43A>G, p.Ile15Val (NM_003023.4); short protein forms I15V, I43V, I72V.
Identifiers: ClinVar variation 4718695 (VCV004718695.1).

ClinVar aggregate classification (germline): Uncertain significance (1 of 4 stars; one submission).

Conditions:
Fibrous dysplasia of jaw (CRBM). Also called: Cherubism. Identifiers: Orphanet 184, MedGen C0008029, MONDO:0007315, OMIM 118400.

gnomAD v4.1: 1 of 1,614,156 alleles (0.000062%); no homozygotes.

Submission:

Labcorp Genetics (formerly Invitae), Labcorp
Classification: Uncertain significance for Fibrous dysplasia of jaw. Last evaluated: 2025-03-24. Review status: criteria provided, single submitter. Criteria: Invitae Variant Classification Sherloc (09022015). Collection method: clinical testing. Allele origin: germline.
Comment: This sequence change replaces isoleucine, which is neutral and non-polar, with valine, which is neutral and non-polar, at codon 15 of the SH3BP2 protein (p.Ile15Val). This variant is not present in population databases (gnomAD no frequency). This variant has not been reported in the literature in individuals affected with SH3BP2-related conditions. Invitae Evidence Modeling of protein sequence and biophysical properties (such as structural, functional, and spatial information, amino acid conservation, physicochemical variation, residue mobility, and thermodynamic stability) indicates that this missense variant is not expected to disrupt SH3BP2 protein function with a negative predictive value of 95%. In summary, the available evidence is currently insufficient to determine the role of this variant in disease. Therefore, it has been classified as a Variant of Uncertain Significance.